The following is an entry in ClinVar:

NM_001008212.2(OPTN):c.450dup (p.Gln151fs)

Gene: OPTN (optineurin; plus strand). Cytogenetic location: 10p13.
Variant type: Duplication.
Coding change: c.450dup on transcript NM_001008212.2 (MANE Select); coding-DNA position 450, one base duplicated (A; older notation c.450dupA).
Protein change: p.Gln151fs; shifts the reading frame from glutamine 151.
Molecular consequence: frameshift variant.
Genome position (GRCh38, 1-based): chr10:13,112,533, A duplicated. VCF-style (leftmost placement, unchanged base first): chr10-13112532-T-TA. GRCh37 (hg19) VCF-style: chr10-13154532-T-TA.
Other names: c.450dup, p.Gln151fs (NM_001008211.1, NM_001008213.1, NM_021980.4); short protein forms Q151fs.
Identifiers: ClinVar variation 2938067 (VCV002938067.3), dbSNP rs1283443715, ClinGen allele CA592072838.

ClinVar aggregate classification (germline): Pathogenic (1 of 4 stars; one submission).

Conditions:
Primary open angle glaucoma (POAG). Also called: OPTN-related open angle glaucoma. Identifiers: MedGen C0339573, MONDO:0100553, OMIM 137760.
Amyotrophic lateral sclerosis type 12 (ALS12). Also called: AMYOTROPHIC LATERAL SCLEROSIS 12 WITH OR WITHOUT FRONTOTEMPORAL DEMENTIA. Identifiers: Orphanet 803, MedGen C3150692, MONDO:0013264, OMIM 613435.
Glaucoma 1, open angle, E. Identifiers: MedGen C1842026, MONDO:0007665.

Allele frequency attached by ClinVar (database versions not stated): TOPMed below 0.00001; gnomAD exomes 0.00001.

Submission:

Labcorp Genetics (formerly Invitae), Labcorp
Classification: Pathogenic for Primary open angle glaucoma; Glaucoma 1, open angle, E; Amyotrophic lateral sclerosis type 12. Last evaluated: 2023-02-01. Review status: criteria provided, single submitter. Criteria: Invitae Variant Classification Sherloc (09022015). Collection method: clinical testing. Allele origin: germline.
Comment: This sequence change creates a premature translational stop signal (p.Gln151Thrfs*13) in the OPTN gene. It is expected to result in an absent or disrupted protein product. Loss-of-function variants in OPTN are known to be pathogenic (PMID: 20428114). This variant is present in population databases (no rsID available, gnomAD 0.0009%). This variant has not been reported in the literature in individuals affected with OPTN-related conditions. For these reasons, this variant has been classified as Pathogenic.

Literature cited by the submitters: PubMed 20428114.